The following is an entry in ClinVar:

NM_004444.5(EPHB4):c.1850T>C (p.Ile617Thr)

Gene: EPHB4 (EPH receptor B4; minus strand). Cytogenetic location: 7q22.1.
Variant type: single nucleotide variant.
Coding change: c.1850T>C on transcript NM_004444.5 (MANE Select); coding-DNA position 1850, T replaced by C.
Protein change: p.Ile617Thr; replaces isoleucine 617 with threonine.
Molecular consequence: missense variant.
Genome position (GRCh38, 1-based): chr7:100,813,115, A>G on the plus strand (T>C on the coding strand, the complement: EPHB4 is on the minus strand). VCF-style: chr7-100813115-A-G. GRCh37 (hg19) VCF-style: chr7-100410737-A-G.
Other names: short protein forms I617T.
Identifiers: ClinVar variation 3365627 (VCV003365627.1).

ClinVar aggregate classification (germline): Uncertain significance (1 of 4 stars; one submission).

Submission:

GeneDx
Classification: Uncertain significance. Last evaluated: 2023-12-13. Review status: criteria provided, single submitter. Criteria: GeneDx Variant Classification Process June 2021. Collection method: clinical testing. Allele origin: germline. Affected: yes.
Comment: Not observed at significant frequency in large population cohorts (gnomAD); In silico analysis supports that this missense variant has a deleterious effect on protein structure/function; Has not been previously published as pathogenic or benign to our knowledge